The following is an entry in ClinVar:

NM_004706.4(ARHGEF1):c.719C>T (p.Ser240Leu)

Gene: ARHGEF1 (Rho guanine nucleotide exchange factor 1; plus strand). Cytogenetic location: 19q13.2.
Variant type: single nucleotide variant.
Coding change: c.719C>T on transcript NM_004706.4 (MANE Select); coding-DNA position 719, C replaced by T.
Protein change: p.Ser240Leu; replaces serine 240 with leucine.
Molecular consequence: missense variant.
Genome position (GRCh38, 1-based): chr19:41,894,281, C>T. VCF-style: chr19-41894281-C-T. GRCh37 (hg19) VCF-style: chr19-42398354-C-T.
Other names: c.764C>T (NM_199002.1); c.620C>T, p.Ser207Leu (NM_198977.2); c.764C>T, p.Ser255Leu (NM_199002.2); short protein forms S255L, S207L, S240L.
Identifiers: ClinVar variation 1384449 (VCV001384449.9), dbSNP rs368940793, ClinGen allele CA9466029.

ClinVar aggregate classification (germline): Uncertain significance. Review status: criteria provided, multiple submitters, no conflicts (2 of 4 stars). 3 submissions from 3 submitters: Uncertain significance (3). Last evaluated 2025-10-08.

Allele frequency attached by ClinVar (database versions not stated): gnomAD exomes 0.00003 and 0.00007; ExAC 0.00008; ESP Exome Variant Server 0.00015; gnomAD 0.00029 and 0.00031; TOPMed 0.00036; 1000 Genomes Project 0.00040; 1000 Genomes Project 30x 0.00047.

Submissions (3):

Labcorp Genetics (formerly Invitae), Labcorp
Classification: Uncertain significance. Last evaluated: 2025-10-08. Review status: criteria provided, single submitter. Criteria: Invitae Variant Classification Sherloc (09022015). Collection method: clinical testing. Allele origin: germline.
Comment: This sequence change replaces serine, which is neutral and polar, with leucine, which is neutral and non-polar, at codon 255 of the ARHGEF1 protein (p.Ser255Leu). This variant is present in population databases (rs368940793, gnomAD 0.08%), and has an allele count higher than expected for a pathogenic variant. This variant has not been reported in the literature in individuals affected with ARHGEF1-related conditions. ClinVar contains an entry for this variant (Variation ID: 1384449). An algorithm developed to predict the effect of missense changes on protein structure and function (PolyPhen-2) suggests that this variant is likely to be tolerated. In summary, the available evidence is currently insufficient to determine the role of this variant in disease. Therefore, it has been classified as a Variant of Uncertain Significance.

Ambry Genetics
Classification: Uncertain significance. Last evaluated: 2025-08-27. Review status: criteria provided, single submitter. Criteria: Ambry Variant Classification Scheme 2023. Collection method: clinical testing. Allele origin: germline.

Blueprint Genetics
Classification: Uncertain significance. Last evaluated: 2022-01-03. Review status: criteria provided, single submitter. Criteria: ACMG Guidelines, 2015. Collection method: clinical testing. Allele origin: germline.